The following is an entry in ClinVar:

ClinVar aggregate classification (germline): Pathogenic (1 of 4 stars; one submission).

Conditions:
Adams-Oliver syndrome 5 (AOS5). Identifiers: Orphanet 974, MedGen C4014970, MONDO:0014459, OMIM 616028.

Submission:

Labcorp Genetics (formerly Invitae), Labcorp
Classification: Pathogenic for Adams-Oliver syndrome 5. Last evaluated: 2022-02-24. Review status: criteria provided, single submitter. Criteria: Invitae Variant Classification Sherloc (09022015). Collection method: clinical testing. Allele origin: germline.
Comment: For these reasons, this variant has been classified as Pathogenic. The region of the NOTCH1 gene that includes exon(s) 10-34 has been determined to be clinically significant (Invitae). Therefore, deletions that encompass that region are likely to be disease-causing. A similar copy number variant has been observed in individual(s) with congenital heart disease (Invitae). It has also been observed to segregate with disease in related individuals. This variant is a gross deletion of the genomic region encompassing exon(s) 3-34 of the NOTCH1 gene, which includes the termination codon. This deletion extends beyond the assayed region for this gene and therefore may encompass additional genes. While this deletion is not anticipated to lead to nonsense mediated decay, it is expected to alter mRNA translation or result in a truncated protein product.

NC_000009.12:g.(?_136496061)_(136523989_?)del

Gene: NOTCH1 (notch receptor 1; minus strand). Cytogenetic location: 9q34.3.
Variant type: Deletion.
Identifiers: ClinVar variation 832844 (VCV000832844.8).